The following is an entry in ClinVar:

NM_002241.5(KCNJ10):c.528T>C (p.Ala176=)

Gene: KCNJ10 (potassium inwardly rectifying channel subfamily J member 10; minus strand). Cytogenetic location: 1q23.2.
Variant type: single nucleotide variant.
Coding change: c.528T>C on transcript NM_002241.5 (MANE Select); coding-DNA position 528, T replaced by C.
Protein change: p.Ala176=; no amino-acid change (alanine 176 retained).
Molecular consequence: synonymous variant.
Genome position (GRCh38, 1-based): chr1:160,042,005, A>G on the plus strand (T>C on the coding strand, the complement: KCNJ10 is on the minus strand). VCF-style: chr1-160042005-A-G. GRCh37 (hg19) VCF-style: chr1-160011795-A-G.
Identifiers: ClinVar variation 378002 (VCV000378002.11), dbSNP rs1057520295, ClinGen allele CA16603434.

ClinVar aggregate classification (germline): Likely benign. Review status: criteria provided, multiple submitters, no conflicts (2 of 4 stars). 3 submissions from 3 submitters: Likely benign (3). Last evaluated 2024-09-30.

Conditions:
Inborn genetic diseases. Identifiers: MedGen C0950123, MeSH D030342.
EAST syndrome (SESAMES). Also called: SEIZURES, SENSORINEURAL DEAFNESS, ATAXIA, IMPAIRED INTELLECTUAL DEVELOPMENT, AND ELECTROLYTE IMBALANCE. Identifiers: Orphanet 199343, MedGen C2748572, MONDO:0013005, OMIM 612780.

Allele frequency attached by ClinVar (database versions not stated): gnomAD exomes below 0.00001; gnomAD 0.00002; TOPMed 0.00002.
gnomAD v4.1: 6 of 1,573,940 alleles (0.00038%); highest among the groups gnomAD compares: Admixed American, 0.007%; no homozygotes.

Submissions (3):

Labcorp Genetics (formerly Invitae), Labcorp
Classification: Likely benign for EAST syndrome. Last evaluated: 2024-09-30. Review status: criteria provided, single submitter. Criteria: Invitae Variant Classification Sherloc (09022015). Collection method: clinical testing. Allele origin: germline.

Ambry Genetics
Classification: Likely benign for Inborn genetic diseases. Last evaluated: 2020-09-28. Review status: criteria provided, single submitter. Criteria: Ambry Variant Classification Scheme 2023. Collection method: clinical testing. Allele origin: germline.

GeneDx
Classification: Likely benign. Last evaluated: 2016-02-23. Review status: criteria provided, single submitter. Criteria: GeneDx Variant Classification (06012015). Collection method: clinical testing. Allele origin: germline. Affected: yes.
Comment: This variant is considered likely benign or benign based on one or more of the following criteria: it is a conservative change, it occurs at a poorly conserved position in the protein, it is predicted to be benign by multiple in silico algorithms, and/or has population frequency not consistent with disease.